The following is an entry in ClinVar:

ClinVar aggregate classification (germline): Uncertain significance (1 of 4 stars; one submission).

Allele frequency attached by ClinVar (database versions not stated): gnomAD exomes below 0.00001.

Submission:

Ambry Genetics
Classification: Uncertain significance. Last evaluated: 2021-09-21. Review status: criteria provided, single submitter. Criteria: Ambry Variant Classification Scheme 2023. Collection method: clinical testing. Allele origin: germline.
Comment: The p.P57L variant (also known as c.170C>T), located in coding exon 3 of the RPS20 gene, results from a C to T substitution at nucleotide position 170. The proline at codon 57 is replaced by leucine, an amino acid with similar properties. This amino acid position is conserved. In addition, this alteration is predicted to be deleterious by in silico analysis. Since supporting evidence is limited at this time, the clinical significance of this alteration remains unclear.

NM_001023.4(RPS20):c.170C>T (p.Pro57Leu)

Gene: RPS20 (ribosomal protein S20; minus strand). Cytogenetic location: 8q12.1.
Variant type: single nucleotide variant.
Coding change: c.170C>T on transcript NM_001023.4 (MANE Select); coding-DNA position 170, C replaced by T.
Protein change: p.Pro57Leu; replaces proline 57 with leucine.
Molecular consequence: missense variant.
Genome position (GRCh38, 1-based): chr8:56,073,702, G>A on the plus strand (C>T on the coding strand, the complement: RPS20 is on the minus strand). VCF-style: chr8-56073702-G-A. GRCh37 (hg19) VCF-style: chr8-56986261-G-A.
Other names: c.170C>T, p.Pro57Leu (NM_001146227.3); short protein forms P57L.
Identifiers: ClinVar variation 1778526 (VCV001778526.2), dbSNP rs2486983883, ClinGen allele CA371283495.